The following is an entry in ClinVar:

ClinVar aggregate classification (germline): Uncertain significance. Review status: criteria provided, multiple submitters, no conflicts (2 of 4 stars). 2 submissions from 2 submitters: Uncertain significance (2). Last evaluated 2023-03-27.

Conditions:
Gorlin syndrome. Also called: Nevoid Basal Cell Carcinoma Syndrome; Basal cell nevus syndrome. Identifiers: Orphanet 377, MedGen C0004779, MONDO:0007187.
Hereditary cancer-predisposing syndrome. Also called: Hereditary neoplastic syndrome; Tumor predisposition; Neoplastic Syndromes, Hereditary; Hereditary Cancer Syndrome. Identifiers: Orphanet 140162, MedGen C0027672, MeSH D009386, MONDO:0015356.

gnomAD v4.1: 1 of 1,614,204 alleles (0.000062%); highest among the groups gnomAD compares: Non-Finnish European, 0.000085%; no homozygotes.

Submissions (2):

Ambry Genetics
Classification: Uncertain significance for Hereditary cancer-predisposing syndrome. Last evaluated: 2023-03-27. Review status: criteria provided, single submitter. Criteria: Ambry Variant Classification Scheme 2023. Collection method: clinical testing. Allele origin: germline.
Comment: The p.S433F variant (also known as c.1298C>T), located in coding exon 9 of the PTCH1 gene, results from a C to T substitution at nucleotide position 1298. The serine at codon 433 is replaced by phenylalanine, an amino acid with highly dissimilar properties. This amino acid position is conserved. In addition, this alteration is predicted to be deleterious by in silico analysis. Since supporting evidence is limited at this time, the clinical significance of this alteration remains unclear.

Labcorp Genetics (formerly Invitae), Labcorp
Classification: Uncertain significance for Gorlin syndrome. Last evaluated: 2022-10-07. Review status: criteria provided, single submitter. Criteria: Invitae Variant Classification Sherloc (09022015). Collection method: clinical testing. Allele origin: germline.
Comment: This sequence change replaces serine, which is neutral and polar, with phenylalanine, which is neutral and non-polar, at codon 433 of the PTCH1 protein (p.Ser433Phe). This variant is not present in population databases (gnomAD no frequency). This variant has not been reported in the literature in individuals affected with PTCH1-related conditions. Advanced modeling of protein sequence and biophysical properties (such as structural, functional, and spatial information, amino acid conservation, physicochemical variation, residue mobility, and thermodynamic stability) has been performed at Invitae for this missense variant, however the output from this modeling did not meet the statistical confidence thresholds required to predict the impact of this variant on PTCH1 protein function. In summary, the available evidence is currently insufficient to determine the role of this variant in disease. Therefore, it has been classified as a Variant of Uncertain Significance.

NM_000264.5(PTCH1):c.1298C>T (p.Ser433Phe)

Gene: PTCH1 (patched 1; minus strand). Cytogenetic location: 9q22.32.
Variant type: single nucleotide variant.
Coding change: c.1298C>T on transcript NM_000264.5 (MANE Select); coding-DNA position 1298, C replaced by T.
Protein change: p.Ser433Phe; replaces serine 433 with phenylalanine.
Molecular consequence: missense variant. On other transcripts: non-coding transcript variant (1).
Genome position (GRCh38, 1-based): chr9:95,478,104, G>A on the plus strand (C>T on the coding strand, the complement: PTCH1 is on the minus strand). VCF-style: chr9-95478104-G-A. GRCh37 (hg19) VCF-style: chr9-98240386-G-A.
Other names: c.1100C>T, p.Ser367Phe (NM_001083602.3); c.1295C>T, p.Ser432Phe (NM_001083603.3); c.845C>T, p.Ser282Phe (NM_001083604.3, NM_001083605.3, NM_001083606.3 and 1 more transcripts); c.1298C>T, p.Ser433Phe (NM_001354918.2); short protein forms S282F, S367F, S432F, S433F.
Identifiers: ClinVar variation 1716491 (VCV001716491.8), dbSNP rs778455544, ClinGen allele CA374118798.